The following is an entry in ClinVar:

NM_015665.6(AAAS):c.1147_1151del (p.Glu383fs)

Gene: AAAS (aladin WD repeat nucleoporin; minus strand). Cytogenetic location: 12q13.13.
Variant type: Deletion.
Coding change: c.1147_1151del on transcript NM_015665.6 (MANE Select); coding-DNA positions 1147 to 1151, 5 bases deleted (GAGAC; older notation c.1147_1151delGAGAC).
Protein change: p.Glu383fs; shifts the reading frame from glutamic acid 383.
Molecular consequence: frameshift variant.
Genome position (GRCh38, 1-based): chr12:53,308,465-53,308,469, GTCTC deleted on the plus strand (GAGAC on the coding strand, the reverse complement: AAAS is on the minus strand). VCF-style (leftmost placement, unchanged base first): chr12-53308464-TGTCTC-T. GRCh37 (hg19) VCF-style: chr12-53702248-TGTCTC-T.
Other names: c.1048_1052del, p.Glu350fs (NM_001173466.2); short protein forms E350fs, E383fs.
Identifiers: ClinVar variation 2826967 (VCV002826967.3), dbSNP rs2498606100, ClinGen allele CA2739272059.
Genomic context (GRCh38, chr12:53,308,464, plus strand): 5'-TCACTGCCACTCCCTCAACCACTCAGCTCACCTCTCCTCACCATCTGGTGTCTGTATTGT[TGTCTC>T]AGACAGATCTGCCACAATCGTTGCTGACTTTGCACCTCCAACGCACCCCTTTCCCTCACC-3'

ClinVar aggregate classification (germline): Pathogenic (1 of 4 stars; one submission).

Submission:

Labcorp Genetics (formerly Invitae), Labcorp
Classification: Pathogenic. Last evaluated: 2023-01-08. Review status: criteria provided, single submitter. Criteria: Invitae Variant Classification Sherloc (09022015). Collection method: clinical testing. Allele origin: germline.
Comment: For these reasons, this variant has been classified as Pathogenic. This variant has not been reported in the literature in individuals affected with AAAS-related conditions. This variant is not present in population databases (gnomAD no frequency). This sequence change creates a premature translational stop signal (p.Glu383Asnfs*8) in the AAAS gene. It is expected to result in an absent or disrupted protein product. Loss-of-function variants in AAAS are known to be pathogenic (PMID: 11159947).

Literature cited by the submitters: PubMed 11159947.